The following is an entry in ClinVar:

NM_032447.5(FBN3):c.4282T>C (p.Cys1428Arg)

Gene: FBN3 (fibrillin 3; minus strand). Cytogenetic location: 19p13.2.
Variant type: single nucleotide variant.
Coding change: c.4282T>C on transcript NM_032447.5 (MANE Select); coding-DNA position 4282, T replaced by C.
Protein change: p.Cys1428Arg; replaces cysteine 1428 with arginine.
Molecular consequence: missense variant.
Genome position (GRCh38, 1-based): chr19:8,110,896, A>G on the plus strand (T>C on the coding strand, the complement: FBN3 is on the minus strand). VCF-style: chr19-8110896-A-G. GRCh37 (hg19) VCF-style: chr19-8175780-A-G.
Other names: c.4282T>C, p.Cys1428Arg (NM_001321431.2); c.4282T>C (NM_032447.3); short protein forms C1428R.
Identifiers: ClinVar variation 1420767 (VCV001420767.10), dbSNP rs200146570, ClinGen allele CA9152117.
Genomic context (GRCh38, chr19:8,110,896, plus strand): 5'-ACCTCACACCTGTGCAGTTGCCACCCCCTCGGTCCAGTTCGTAGCCACCATTGCAGATGC[A>G]GCGGAACATTCCAGGCAGGTTCTCACAGCTCCCAAATGCACAGAGGTTCCCTTGCGCACA-3'
Protein context (NP_115823.3, residues 1418-1438): SCENLPGMFR[Cys1428Arg]ICNGGYELDR

ClinVar aggregate classification (germline): Uncertain significance. Review status: criteria provided, multiple submitters, no conflicts (2 of 4 stars). 3 submissions from 3 submitters: Uncertain significance (3). Last evaluated 2025-12-21.

Allele frequency attached by ClinVar (database versions not stated): ESP Exome Variant Server 0.00015; TOPMed 0.00015; gnomAD 0.00017 and 0.00021; ExAC 0.00019; gnomAD exomes 0.00021 and 0.00024; 1000 Genomes Project 30x 0.00047; 1000 Genomes Project 0.00060.
gnomAD v4.1: 397 of 1,614,250 alleles (0.025%); highest among the groups gnomAD compares: Middle Eastern, 0.26%; 1 homozygote.

Submissions (3):

Labcorp Genetics (formerly Invitae), Labcorp
Classification: Uncertain significance. Last evaluated: 2025-12-21. Review status: criteria provided, single submitter. Criteria: Invitae Variant Classification Sherloc (09022015). Collection method: clinical testing. Allele origin: germline.
Comment: This sequence change replaces cysteine, which is neutral and slightly polar, with arginine, which is basic and polar, at codon 1428 of the FBN3 protein (p.Cys1428Arg). This variant is present in population databases (rs200146570, gnomAD 0.03%). This variant has not been reported in the literature in individuals affected with FBN3-related conditions. ClinVar contains an entry for this variant (Variation ID: 1420767). Invitae Evidence Modeling of protein sequence and biophysical properties (such as structural, functional, and spatial information, amino acid conservation, physicochemical variation, residue mobility, and thermodynamic stability) indicates that this missense variant is expected to disrupt FBN3 protein function with a positive predictive value of 80%. In summary, the available evidence is currently insufficient to determine the role of this variant in disease. Therefore, it has been classified as a Variant of Uncertain Significance.

Ambry Genetics
Classification: Uncertain significance. Last evaluated: 2025-08-07. Review status: criteria provided, single submitter. Criteria: Ambry Variant Classification Scheme 2023. Collection method: clinical testing. Allele origin: germline.

Revvity Omics, Revvity
Classification: Uncertain significance. Last evaluated: 2021-02-18. Review status: criteria provided, single submitter. Criteria: ACMG Guidelines, 2015. Collection method: clinical testing. Allele origin: germline.